The following is an entry in ClinVar:

ClinVar aggregate classification (germline): Uncertain significance. Review status: criteria provided, multiple submitters, no conflicts (2 of 4 stars). 2 submissions from 2 submitters: Uncertain significance (2). Last evaluated 2025-04-17.

Conditions:
Inborn genetic diseases. Identifiers: MedGen C0950123, MeSH D030342.

Allele frequency attached by ClinVar (database versions not stated): gnomAD exomes below 0.00001.

Submissions (2):

Labcorp Genetics (formerly Invitae), Labcorp
Classification: Uncertain significance. Last evaluated: 2025-04-17. Review status: criteria provided, single submitter. Criteria: Invitae Variant Classification Sherloc (09022015). Collection method: clinical testing. Allele origin: germline.
Comment: This sequence change replaces methionine, which is neutral and non-polar, with valine, which is neutral and non-polar, at codon 2396 of the ACAN protein (p.Met2396Val). This variant is present in population databases (no rsID available, gnomAD 0.0009%). This variant has not been reported in the literature in individuals affected with ACAN-related conditions. ClinVar contains an entry for this variant (Variation ID: 1382780). An algorithm developed to predict the effect of missense changes on protein structure and function (PolyPhen-2) suggests that this variant is likely to be tolerated. In summary, the available evidence is currently insufficient to determine the role of this variant in disease. Therefore, it has been classified as a Variant of Uncertain Significance.

Ambry Genetics
Classification: Uncertain significance for Inborn genetic diseases. Last evaluated: 2024-10-12. Review status: criteria provided, single submitter. Criteria: Ambry Variant Classification Scheme 2023. Collection method: clinical testing. Allele origin: germline.

NM_001369268.1(ACAN):c.7300A>G (p.Met2434Val)

Gene: ACAN (aggrecan; plus strand). Cytogenetic location: 15q26.1.
Variant type: single nucleotide variant.
Coding change: c.7300A>G on transcript NM_001369268.1 (MANE Select); coding-DNA position 7300, A replaced by G.
Protein change: p.Met2434Val; replaces methionine 2434 with valine.
Molecular consequence: missense variant.
Genome position (GRCh38, 1-based): chr15:88,872,083, A>G. VCF-style: chr15-88872083-A-G. GRCh37 (hg19) VCF-style: chr15-89415314-A-G.
Other names: c.7072A>G, p.Met2358Val (NM_001135.4); c.7186A>G, p.Met2396Val (NM_013227.4); c.7186A>G (NM_013227.3); short protein forms M2358V, M2396V, M2434V.
Identifiers: ClinVar variation 1382780 (VCV001382780.9), dbSNP rs1198995852, ClinGen allele CA393730282.